The following is an entry in ClinVar:

NM_004990.4(MARS1):c.1479C>A (p.Arg493=)

Gene: MARS1 (methionyl-tRNA synthetase 1; plus strand). Cytogenetic location: 12q13.3.
Variant type: single nucleotide variant.
Coding change: c.1479C>A on transcript NM_004990.4 (MANE Select); coding-DNA position 1479, C replaced by A.
Protein change: p.Arg493=; no amino-acid change (arginine 493 retained).
Molecular consequence: synonymous variant.
Genome position (GRCh38, 1-based): chr12:57,511,808, C>A. VCF-style: chr12-57511808-C-A. GRCh37 (hg19) VCF-style: chr12-57905591-C-A.
Identifiers: ClinVar variation 784758 (VCV000784758.31), dbSNP rs148191586, ClinGen allele CA6650526.

ClinVar aggregate classification (germline): Likely benign. Review status: criteria provided, multiple submitters, no conflicts (2 of 4 stars). 4 submissions from 4 submitters: Likely benign (4). Last evaluated 2026-01-27.

Conditions:
Severe early-onset pulmonary alveolar proteinosis due to MARS deficiency. Also called: PULMONARY ALVEOLAR PROTEINOSIS, REUNION ISLAND; Interstitial lung and liver disease. Identifiers: Orphanet 440427, MedGen C4225400, MONDO:0014206, OMIM 615486.
Charcot-Marie-Tooth disease axonal type 2U. Also called: CHARCOT-MARIE-TOOTH NEUROPATHY, TYPE 2U; CHARCOT-MARIE-TOOTH DISEASE, AXONAL, AUTOSOMAL DOMINANT, TYPE 2U. Identifiers: Orphanet 397735, MedGen C4084821, MONDO:0014566, OMIM 616280.
MARS1-related disorder. Also called: MARS1-related condition.

Allele frequency attached by ClinVar (database versions not stated): TOPMed 0.00001; ExAC 0.00002; gnomAD 0.00002; ESP Exome Variant Server 0.00015.
gnomAD v4.1: 17 of 1,614,098 alleles (0.0011%); highest among the groups gnomAD compares: Non-Finnish European, 0.0014%; no homozygotes.

Submissions (4):

PreventionGenetics, part of Exact Sciences
Classification: Likely benign for MARS1-related condition. Last evaluated: 2026-01-27. Review status: criteria provided, single submitter. Criteria: ACMG Guidelines, 2015. Collection method: clinical testing. Allele origin: germline.
Comment: This variant is classified as likely benign based on ACMG/AMP sequence variant interpretation guidelines (Richards et al. 2015 PMID: 25741868, with internal and published modifications).

Labcorp Genetics (formerly Invitae), Labcorp
Classification: Likely benign for Charcot-Marie-Tooth disease axonal type 2U; Severe early-onset pulmonary alveolar proteinosis due to MARS deficiency. Last evaluated: 2024-10-15. Review status: criteria provided, single submitter. Criteria: Invitae Variant Classification Sherloc (09022015). Collection method: clinical testing. Allele origin: germline.

CeGaT Center for Human Genetics Tuebingen
Classification: Likely benign. Last evaluated: 2024-08-01. Review status: criteria provided, single submitter. Criteria: CeGaT Center For Human Genetics Tuebingen Variant Classification Criteria Version 2. Collection method: clinical testing. Allele origin: germline. Affected: yes. Observed: 1 variant allele.
Comment: MARS1: BP4, BP7

ARUP Laboratories, Molecular Genetics and Genomics, ARUP Laboratories
Classification: Likely benign. Last evaluated: 2022-02-01. Review status: criteria provided, single submitter. Criteria: ARUP Molecular Germline Variant Investigation Process 2021. Collection method: clinical testing. Allele origin: germline.